The following is an entry in ClinVar:

ClinVar aggregate classification (germline): Uncertain significance (1 of 4 stars; one submission).

gnomAD v4.1: 1 of 1,613,708 alleles (0.000062%); no homozygotes.

Submission:

Labcorp Genetics (formerly Invitae), Labcorp
Classification: Uncertain significance. Last evaluated: 2024-07-06. Review status: criteria provided, single submitter. Criteria: Invitae Variant Classification Sherloc (09022015). Collection method: clinical testing. Allele origin: germline.
Comment: This sequence change replaces glutamic acid, which is acidic and polar, with lysine, which is basic and polar, at codon 672 of the GUCY2C protein (p.Glu672Lys). This variant is not present in population databases (gnomAD no frequency). This variant has not been reported in the literature in individuals affected with GUCY2C-related conditions. Advanced modeling of protein sequence and biophysical properties (such as structural, functional, and spatial information, amino acid conservation, physicochemical variation, residue mobility, and thermodynamic stability) performed at Invitae indicates that this missense variant is expected to disrupt GUCY2C protein function with a positive predictive value of 80%. In summary, the available evidence is currently insufficient to determine the role of this variant in disease. Therefore, it has been classified as a Variant of Uncertain Significance.

NM_004963.4(GUCY2C):c.2014G>A (p.Glu672Lys)

Gene: GUCY2C (guanylate cyclase 2C; minus strand). Cytogenetic location: 12p12.3.
Variant type: single nucleotide variant.
Coding change: c.2014G>A on transcript NM_004963.4 (MANE Select); coding-DNA position 2014, G replaced by A.
Protein change: p.Glu672Lys; replaces glutamic acid 672 with lysine.
Molecular consequence: missense variant.
Genome position (GRCh38, 1-based): chr12:14,641,136, C>T on the plus strand (G>A on the coding strand, the complement: GUCY2C is on the minus strand). VCF-style: chr12-14641136-C-T. GRCh37 (hg19) VCF-style: chr12-14794070-C-T.
Other names: short protein forms E672K.
Identifiers: ClinVar variation 3658318 (VCV003658318.2).